The following is an entry in ClinVar:

NM_207346.3(TSEN54):c.959C>T (p.Pro320Leu)

Gene: TSEN54 (tRNA splicing endonuclease subunit 54; plus strand). Cytogenetic location: 17q25.1.
Variant type: single nucleotide variant.
Coding change: c.959C>T on transcript NM_207346.3 (MANE Select); coding-DNA position 959, C replaced by T.
Protein change: p.Pro320Leu; replaces proline 320 with leucine.
Molecular consequence: missense variant.
Genome position (GRCh38, 1-based): chr17:75,522,040, C>T. VCF-style: chr17-75522040-C-T. GRCh37 (hg19) VCF-style: chr17-73518121-C-T.
Other names: short protein forms P320L.
Identifiers: ClinVar variation 160139 (VCV000160139.23), dbSNP rs189860274, ClinGen allele CA173741.

ClinVar aggregate classification (germline): Benign/Likely benign. Review status: criteria provided, multiple submitters, no conflicts (2 of 4 stars). 7 submissions from 7 submitters: Benign (2); Likely benign (4). 1 of the submissions does not count toward it. Last evaluated 2026-01-25.

Conditions:
TSEN54-related disorder. Also called: TSEN54-related condition.

Allele frequency attached by ClinVar (database versions not stated): TOPMed 0.00330; ESP Exome Variant Server 0.00363; 1000 Genomes Project 0.00379; 1000 Genomes Project 30x 0.00406; gnomAD exomes 0.00084; ExAC 0.00138.
gnomAD v4.1: 839 of 1,591,618 alleles (0.053%); highest among the groups gnomAD compares: African/African-American, 0.98%; 6 homozygotes.

Submissions (7):

Labcorp Genetics (formerly Invitae), Labcorp
Classification: Benign. Last evaluated: 2026-01-25. Review status: criteria provided, single submitter. Criteria: Invitae Variant Classification Sherloc (09022015). Collection method: clinical testing. Allele origin: germline.

ARUP Laboratories, Molecular Genetics and Genomics, ARUP Laboratories
Classification: Likely benign. Last evaluated: 2024-01-17. Review status: criteria provided, single submitter. Criteria: ARUP Molecular Germline Variant Investigation Process 2024. Collection method: clinical testing. Allele origin: germline.

GeneDx
Classification: Benign. Last evaluated: 2019-06-25. Review status: criteria provided, single submitter. Criteria: GeneDx Variant Classification Process June 2021. Collection method: clinical testing. Allele origin: germline. Affected: yes.

Athena Diagnostics
Classification: Likely benign. Last evaluated: 2017-11-22. Review status: criteria provided, single submitter. Criteria: Athena Diagnostics Criteria. Collection method: clinical testing. Allele origin: germline.

Genetic Services Laboratory, University of Chicago
Classification: Likely benign. Last evaluated: 2017-01-27. Review status: criteria provided, single submitter. Criteria: ACMG Guidelines, 2015. Collection method: clinical testing. Allele origin: germline. Affected: no.

Breakthrough Genomics
Classification: Likely benign. Review status: criteria provided, single submitter. Criteria: ACMG Guidelines, 2015. Collection method: not provided. Allele origin: germline. Inheritance: Autosomal recessive inheritance. Affected: yes.

PreventionGenetics, part of Exact Sciences
Classification: Benign for TSEN54-related condition. Last evaluated: 2020-06-05. Review status: no assertion criteria provided. Collection method: clinical testing. Allele origin: germline. Not counted in ClinVar's aggregate classification.
Comment: This variant is classified as benign based on ACMG/AMP sequence variant interpretation guidelines (Richards et al. 2015 PMID: 25741868, with internal and published modifications).